The following is an entry in ClinVar:

ClinVar aggregate classification (germline): Pathogenic (1 of 4 stars; one submission).

Conditions:
Cone-rod dystrophy 6 (CORD6). Also called: RETINAL CONE DYSTROPHY 2; Cone dystrophy progressive. Identifiers: Orphanet 1872, MedGen C1866293, MONDO:0011143, OMIM 601777.
Leber congenital amaurosis 1 (LCA1). Also called: RETINAL BLINDNESS, CONGENITAL; AMAUROSIS CONGENITA OF LEBER I; Congenital absence of the rods and cones; Leber's congenital tapetoretinal degeneration; Leber's congenital tapetoretinal dysplasia. Identifiers: Orphanet 65, MedGen C2931258, MONDO:0008764, OMIM 204000.

Submission:

Labcorp Genetics (formerly Invitae), Labcorp
Classification: Pathogenic for Leber congenital amaurosis 1; Cone-rod dystrophy 6. Last evaluated: 2022-03-17. Review status: criteria provided, single submitter. Criteria: Invitae Variant Classification Sherloc (09022015). Collection method: clinical testing. Allele origin: germline.
Comment: This sequence change creates a premature translational stop signal (p.Asn454Thrfs*32) in the GUCY2D gene. It is expected to result in an absent or disrupted protein product. Loss-of-function variants in GUCY2D are known to be pathogenic (PMID: 10951519, 11328726). This variant is not present in population databases (gnomAD no frequency). This variant has not been reported in the literature in individuals affected with GUCY2D-related conditions. ClinVar contains an entry for this variant (Variation ID: 1069546). For these reasons, this variant has been classified as Pathogenic.

Literature cited by the submitters: PubMed 10951519; PubMed 11328726.

NM_000180.4(GUCY2D):c.1361_1367del (p.Asn454fs)

Gene: GUCY2D (guanylate cyclase 2D, retinal; plus strand). Cytogenetic location: 17p13.1.
Variant type: Deletion.
Coding change: c.1361_1367del on transcript NM_000180.4 (MANE Select); coding-DNA positions 1361 to 1367, 7 bases deleted (ACAACAT; older notation c.1361_1367delACAACAT).
Protein change: p.Asn454fs; shifts the reading frame from asparagine 454.
Molecular consequence: frameshift variant.
Genome position (GRCh38, 1-based): chr17:8,006,697-8,006,703, ACAACAT deleted. VCF-style (leftmost placement, unchanged base first): chr17-8006696-AACAACAT-A. GRCh37 (hg19) VCF-style: chr17-7910014-AACAACAT-A.
Other names: short protein forms N454fs.
Identifiers: ClinVar variation 1069546 (VCV001069546.7), dbSNP rs2151800620, ClinGen allele CA2499224991.
Genomic context (GRCh38, chr17:8,006,696, plus strand): 5'-ATGCACTTCCCGCGTGGGGGATCAGCACCCGGACCTGACCCCTCGTGCTGGTTCGATCCA[AACAACAT>A]CTGCGGTGGAGGTGAGGGCGAGCACCCCAGTCCCCACTGAGACAATCGCCATGGACCATC-3'